The following is an entry in ClinVar:

NM_144631.6(ZNF513):c.387G>C (p.Glu129Asp)

Gene: ZNF513 (zinc finger protein 513; minus strand). Cytogenetic location: 2p23.3.
Variant type: single nucleotide variant.
Coding change: c.387G>C on transcript NM_144631.6 (MANE Select); coding-DNA position 387, G replaced by C.
Protein change: p.Glu129Asp; replaces glutamic acid 129 with aspartic acid.
Molecular consequence: missense variant.
Genome position (GRCh38, 1-based): chr2:27,378,879, C>G on the plus strand (G>C on the coding strand, the complement: ZNF513 is on the minus strand). VCF-style: chr2-27378879-C-G. GRCh37 (hg19) VCF-style: chr2-27601746-C-G.
Other names: c.201G>C, p.Glu67Asp (NM_001201459.2); short protein forms E67D, E129D.
Identifiers: ClinVar variation 955303 (VCV000955303.9), dbSNP rs1271427505, ClinGen allele CA346218475.

ClinVar aggregate classification (germline): Uncertain significance (1 of 4 stars; one submission).

Submission:

Labcorp Genetics (formerly Invitae), Labcorp
Classification: Uncertain significance. Last evaluated: 2019-10-16. Review status: criteria provided, single submitter. Criteria: Invitae Variant Classification Sherloc (09022015). Collection method: clinical testing. Allele origin: germline.
Comment: This sequence change replaces glutamic acid with aspartic acid at codon 129 of the ZNF513 protein (p.Glu129Asp). The glutamic acid residue is highly conserved and there is a small physicochemical difference between glutamic acid and aspartic acid. This variant is not present in population databases (ExAC no frequency). This variant has not been reported in the literature in individuals with ZNF513-related conditions. Algorithms developed to predict the effect of missense changes on protein structure and function are either unavailable or do not agree on the potential impact of this missense change (SIFT: "Deleterious"; PolyPhen-2: "Benign"; Align-GVGD: "Class C35"). In summary, the available evidence is currently insufficient to determine the role of this variant in disease. Therefore, it has been classified as a Variant of Uncertain Significance.